The following is an entry in ClinVar:

NM_181776.3(SLC36A2):c.1114C>T (p.Arg372Trp)

Gene: SLC36A2 (solute carrier family 36 member 2; minus strand). Cytogenetic location: 5q33.1.
Variant type: single nucleotide variant.
Coding change: c.1114C>T on transcript NM_181776.3 (MANE Select); coding-DNA position 1114, C replaced by T.
Protein change: p.Arg372Trp; replaces arginine 372 with tryptophan.
Molecular consequence: missense variant.
Genome position (GRCh38, 1-based): chr5:151,322,112, G>A on the plus strand (C>T on the coding strand, the complement: SLC36A2 is on the minus strand). VCF-style: chr5-151322112-G-A. GRCh37 (hg19) VCF-style: chr5-150701673-G-A.
Other names: c.1114C>T (NM_181776.2); short protein forms R372W.
Identifiers: ClinVar variation 3633476 (VCV003633476.3).
Genomic context (GRCh38, chr5:151,322,112, plus strand): 5'-GGCAGACCATGACGAGGCGAATGGACAGATCCAGAGGCAGTGCCCAGCGTGTTGACACCC[G>A]GGAGATGGCAAAGGGGATGATGATTTCTGCAGGGACGTAGAACTGCAGGGCATAGGTGCA-3'
Protein context (NP_861441.2, residues 362-382): AEIIIPFAIS[Arg372Trp]VSTRWALPLD

ClinVar aggregate classification (germline): Uncertain significance. Review status: criteria provided, multiple submitters, no conflicts (2 of 4 stars). 2 submissions from 2 submitters: Uncertain significance (2). Last evaluated 2025-05-09.

gnomAD v4.1: 68 of 1,614,186 alleles (0.0042%); highest among the groups gnomAD compares: African/African-American, 0.071%; no homozygotes.

Submissions (2):

Ambry Genetics
Classification: Uncertain significance. Last evaluated: 2025-05-09. Review status: criteria provided, single submitter. Criteria: Ambry Variant Classification Scheme 2023. Collection method: clinical testing. Allele origin: germline.

Labcorp Genetics (formerly Invitae), Labcorp
Classification: Uncertain significance. Last evaluated: 2024-08-31. Review status: criteria provided, single submitter. Criteria: Invitae Variant Classification Sherloc (09022015). Collection method: clinical testing. Allele origin: germline.
Comment: This sequence change replaces arginine, which is basic and polar, with tryptophan, which is neutral and slightly polar, at codon 372 of the SLC36A2 protein (p.Arg372Trp). This variant is present in population databases (rs140648839, gnomAD 0.07%), and has an allele count higher than expected for a pathogenic variant. This variant has not been reported in the literature in individuals affected with SLC36A2-related conditions. Invitae Evidence Modeling of protein sequence and biophysical properties (such as structural, functional, and spatial information, amino acid conservation, physicochemical variation, residue mobility, and thermodynamic stability) indicates that this missense variant is not expected to disrupt SLC36A2 protein function with a negative predictive value of 80%. In summary, the available evidence is currently insufficient to determine the role of this variant in disease. Therefore, it has been classified as a Variant of Uncertain Significance.